The following is an entry in ClinVar:

ClinVar aggregate classification (germline): Uncertain significance (1 of 4 stars; one submission).

Conditions:
PCNT-related disorder. Also called: PCNT-related condition.

gnomAD v4.1: 1 of 1,613,974 alleles (0.000062%); no homozygotes.

Submission:

PreventionGenetics, part of Exact Sciences
Classification: Uncertain significance for PCNT-related condition. Last evaluated: 2024-10-31. Review status: criteria provided, single submitter. Criteria: ACMG Guidelines, 2015. Collection method: clinical testing. Allele origin: germline.
Comment: The PCNT c.582G>C variant is predicted to result in the amino acid substitution p.Gln194His. To our knowledge, this variant has not been reported in the literature or in a large population database (gnomAD), indicating this variant is rare. At this time, the clinical significance of this variant is uncertain due to the absence of conclusive functional and genetic evidence.

NM_006031.6(PCNT):c.582G>C (p.Gln194His)

Gene: PCNT (pericentrin; plus strand). Cytogenetic location: 21q22.3.
Variant type: single nucleotide variant.
Coding change: c.582G>C on transcript NM_006031.6 (MANE Select); coding-DNA position 582, G replaced by C.
Protein change: p.Gln194His; replaces glutamine 194 with histidine.
Molecular consequence: missense variant.
Genome position (GRCh38, 1-based): chr21:46,334,711, G>C. VCF-style: chr21-46334711-G-C. GRCh37 (hg19) VCF-style: chr21-47754625-G-C.
Other names: c.228G>C, p.Gln76His (NM_001315529.2); short protein forms Q194H, Q76H.
Identifiers: ClinVar variation 5000263 (VCV005000263.1).